The following is an entry in ClinVar:

ClinVar aggregate classification (germline): Uncertain significance (1 of 4 stars; one submission).

Submission:

Labcorp Genetics (formerly Invitae), Labcorp
Classification: Uncertain significance. Last evaluated: 2025-05-19. Review status: criteria provided, single submitter. Criteria: Invitae Variant Classification Sherloc (09022015). Collection method: clinical testing. Allele origin: germline.
Comment: This sequence change replaces isoleucine, which is neutral and non-polar, with threonine, which is neutral and polar, at codon 611 of the NIN protein (p.Ile611Thr). This variant is not present in population databases (gnomAD no frequency). This variant has not been reported in the literature in individuals affected with NIN-related conditions. An algorithm developed to predict the effect of missense changes on protein structure and function (PolyPhen-2) suggests that this variant is likely to be disruptive. In summary, the available evidence is currently insufficient to determine the role of this variant in disease. Therefore, it has been classified as a Variant of Uncertain Significance.

NM_020921.4(NIN):c.1832T>C (p.Ile611Thr)

Gene: NIN (ninein; minus strand). Cytogenetic location: 14q22.1.
Variant type: single nucleotide variant.
Coding change: c.1832T>C on transcript NM_020921.4 (MANE Select); coding-DNA position 1832, T replaced by C.
Protein change: p.Ile611Thr; replaces isoleucine 611 with threonine.
Molecular consequence: missense variant.
Genome position (GRCh38, 1-based): chr14:50,761,854, A>G on the plus strand (T>C on the coding strand, the complement: NIN is on the minus strand). VCF-style: chr14-50761854-A-G. GRCh37 (hg19) VCF-style: chr14-51228572-A-G.
Other names: c.1832T>C, p.Ile611Thr (NM_016350.5, NM_182944.3, NM_182946.2); short protein forms I611T.
Identifiers: ClinVar variation 4704500 (VCV004704500.1).
Genomic context (GRCh38, chr14:50,761,854, plus strand): 5'-TCTTCGAGCTCCAGTCTGAGGCAACATATGTCCCTGTGATGTTGTTCTTTCATCTGTTCA[A>G]TGACCAGCTCTGCCTCAATGCTCATATTCAATGGATTGCATTCTTCAGAACCGAGCCCTG-3'
Protein context (NP_065972.4, residues 601-621): LNMSIEAELV[Ile611Thr]EQMKEQHHRD